The following is an entry in ClinVar:

ClinVar aggregate classification (germline): Uncertain significance (1 of 4 stars; one submission).

Submission:

GeneDx
Classification: Uncertain significance. Last evaluated: 2026-03-01. Review status: criteria provided, single submitter. Criteria: GeneDx Variant Classification Process June 2021. Collection method: clinical testing. Allele origin: germline.
Comment: Not observed at significant frequency in large population cohorts (gnomAD); In silico analysis suggests that this missense variant does not alter protein structure/function; Has not been previously published as pathogenic or benign to our knowledge

NM_212482.4(FN1):c.4399G>A (p.Val1467Met)

Gene: FN1 (fibronectin 1; minus strand). Cytogenetic location: 2q35.
Variant type: single nucleotide variant.
Coding change: c.4399G>A on transcript NM_212482.4 (MANE Select); coding-DNA position 4399, G replaced by A.
Protein change: p.Val1467Met; replaces valine 1467 with methionine.
Molecular consequence: missense variant.
Genome position (GRCh38, 1-based): chr2:215,386,902, C>T on the plus strand (G>A on the coding strand, the complement: FN1 is on the minus strand). VCF-style: chr2-215386902-C-T. GRCh37 (hg19) VCF-style: chr2-216251625-C-T.
Other names: c.4399G>A, p.Val1467Met (NM_001306129.2, NM_001306130.2, NM_001365517.2 and 3 more transcripts); c.4126G>A, p.Val1376Met (NM_001306131.2, NM_001306132.2, NM_001365518.2 and 7 more transcripts); short protein forms V1376M, V1467M.
Identifiers: ClinVar variation 5008082 (VCV005008082.1).